The following is an entry in ClinVar:

NM_024120.5(NDUFAF5):c.782T>G (p.Met261Arg)

Gene: NDUFAF5 (NADH:ubiquinone oxidoreductase complex assembly factor 5; plus strand). Cytogenetic location: 20p12.1.
Variant type: single nucleotide variant.
Coding change: c.782T>G on transcript NM_024120.5 (MANE Select); coding-DNA position 782, T replaced by G.
Protein change: p.Met261Arg; replaces methionine 261 with arginine.
Molecular consequence: missense variant. On other transcripts: non-coding transcript variant (7).
Genome position (GRCh38, 1-based): chr20:13,816,466, T>G. VCF-style: chr20-13816466-T-G. GRCh37 (hg19) VCF-style: chr20-13797112-T-G.
Other names: c.698T>G, p.Met233Arg (NM_001039375.3); c.311T>G, p.Met104Arg (NM_001352403.2); c.221T>G, p.Met74Arg (NM_001352406.2, NM_001352407.2); short protein forms M104R, M233R, M261R, M74R.
Identifiers: ClinVar variation 2412932 (VCV002412932.3), dbSNP rs1568786761, ClinGen allele CA408273438.

ClinVar aggregate classification (germline): Likely pathogenic (1 of 4 stars; one submission).

Allele frequency attached by ClinVar (database versions not stated): gnomAD exomes below 0.00001.
gnomAD v4.1: 1 of 1,612,372 alleles (0.000062%); highest among the groups gnomAD compares: Admixed American, 0.0017%; no homozygotes.

Submission:

GeneDx
Classification: Likely pathogenic. Last evaluated: 2024-07-24. Review status: criteria provided, single submitter. Criteria: GeneDx Variant Classification Process June 2021. Collection method: clinical testing. Allele origin: germline.
Comment: Not observed at significant frequency in large population cohorts (gnomAD); In silico analysis supports that this missense variant has a deleterious effect on protein structure/function; In silico analysis is inconclusive as to whether the variant alters gene splicing. In the absence of RNA/functional studies, the actual effect of this sequence change is unknown.; This variant is associated with the following publications: (PMID: 30266093, 26275793)